The following is an entry in ClinVar:

ClinVar aggregate classification (germline): Uncertain significance (1 of 4 stars; one submission).

Conditions:
Tuberous sclerosis 2 (TSC2). Identifiers: Orphanet 805, MedGen C1860707, MONDO:0013199, OMIM 613254.

Submission:

Labcorp Genetics (formerly Invitae), Labcorp
Classification: Uncertain significance for Tuberous sclerosis 2. Last evaluated: 2017-10-04. Review status: criteria provided, single submitter. Criteria: Invitae Variant Classification Sherloc (09022015). Collection method: clinical testing. Allele origin: germline.
Comment: Algorithms developed to predict the effect of missense changes on protein structure and function do not agree on the potential impact of this missense change (SIFT: "Tolerated"; PolyPhen-2: "Possibly Damaging"; Align-GVGD: "Class C0"). This variant has not been reported in the literature in individuals with TSC2-related disease. This variant is not present in population databases (ExAC no frequency). This sequence change replaces serine with cysteine at codon 1555 of the TSC2 protein (p.Ser1555Cys). The serine residue is moderately conserved and there is a moderate physicochemical difference between serine and cysteine. In summary, the available evidence is currently insufficient to determine the role of this variant in disease. Therefore, it has been classified as a Variant of Uncertain Significance.

NM_000548.5(TSC2):c.4663A>T (p.Ser1555Cys)

Gene: TSC2 (TSC complex subunit 2; plus strand). Cytogenetic location: 16p13.3.
Variant type: single nucleotide variant.
Coding change: c.4663A>T on transcript NM_000548.5 (MANE Select); coding-DNA position 4663, A replaced by T.
Protein change: p.Ser1555Cys; replaces serine 1555 with cysteine.
Molecular consequence: missense variant.
Genome position (GRCh38, 1-based): chr16:2,086,193, A>T. VCF-style: chr16-2086193-A-T. GRCh37 (hg19) VCF-style: chr16-2136194-A-T.
Other names: c.4462A>T, p.Ser1488Cys (NM_001077183.3); c.4594A>T, p.Ser1532Cys (NM_001114382.3); c.4354A>T, p.Ser1452Cys (NM_001318827.2); c.4318A>T, p.Ser1440Cys (NM_001318829.2); c.3931A>T, p.Ser1311Cys (NM_001318831.2); c.4495A>T, p.Ser1499Cys (NM_001318832.2); c.4465A>T, p.Ser1489Cys (NM_001363528.2); c.4531A>T, p.Ser1511Cys (NM_001370404.1); and 1 more; short protein forms S1555C, S1311C, S1512C, S1499C, S1532C, S1440C, S1488C, S1489C.
Identifiers: ClinVar variation 535871 (VCV000535871.8), dbSNP rs1555515982, ClinGen allele CA394306834.